The following is an entry in ClinVar:

NM_005262.3(GFER):c.571G>A (p.Val191Met)

Gene: GFER (growth factor, augmenter of liver regeneration; plus strand). Cytogenetic location: 16p13.3.
Variant type: single nucleotide variant.
Coding change: c.571G>A on transcript NM_005262.3 (MANE Select); coding-DNA position 571, G replaced by A.
Protein change: p.Val191Met; replaces valine 191 with methionine.
Molecular consequence: missense variant.
Genome position (GRCh38, 1-based): chr16:1,985,981, G>A. VCF-style: chr16-1985981-G-A. GRCh37 (hg19) VCF-style: chr16-2035982-G-A.
Other names: short protein forms V191M.
Identifiers: ClinVar variation 1948712 (VCV001948712.2), dbSNP rs756987474, ClinGen allele CA7826094.

ClinVar aggregate classification (germline): Uncertain significance (1 of 4 stars; one submission).

Allele frequency attached by ClinVar (database versions not stated): ExAC 0.00001; gnomAD 0.00002; gnomAD exomes 0.00002; TOPMed 0.00002.

Submission:

Labcorp Genetics (formerly Invitae), Labcorp
Classification: Uncertain significance. Last evaluated: 2022-03-29. Review status: criteria provided, single submitter. Criteria: Invitae Variant Classification Sherloc (09022015). Collection method: clinical testing. Allele origin: germline.
Comment: This sequence change replaces valine, which is neutral and non-polar, with methionine, which is neutral and non-polar, at codon 191 of the GFER protein (p.Val191Met). This variant is present in population databases (rs756987474, gnomAD 0.0009%). This variant has not been reported in the literature in individuals affected with GFER-related conditions. Algorithms developed to predict the effect of missense changes on protein structure and function are either unavailable or do not agree on the potential impact of this missense change (SIFT: "Deleterious"; PolyPhen-2: "Probably Damaging"; Align-GVGD: "Class C0"). In summary, the available evidence is currently insufficient to determine the role of this variant in disease. Therefore, it has been classified as a Variant of Uncertain Significance.